The following is an entry in ClinVar:

ClinVar aggregate classification (germline): Benign (0 of 4 stars; one submission).

Conditions:
KRT6B-related disorder. Also called: KRT6B-related condition.

gnomAD v4.1: 4,887 of 1,605,502 alleles (0.3%); highest among the groups gnomAD compares: African/African-American, 5.3%; 60 homozygotes.

Submission:

PreventionGenetics, part of Exact Sciences
Classification: Benign for KRT6B-related condition. Last evaluated: 2024-03-27. Review status: no assertion criteria provided. Collection method: clinical testing. Allele origin: germline.
Comment: This variant is classified as benign based on ACMG/AMP sequence variant interpretation guidelines (Richards et al. 2015 PMID: 25741868, with internal and published modifications).

NM_005555.4(KRT6B):c.384T>C (p.Pro128=)

Gene: KRT6B (keratin 6B; minus strand). Cytogenetic location: 12q13.13.
Variant type: single nucleotide variant.
Coding change: c.384T>C on transcript NM_005555.4 (MANE Select); coding-DNA position 384, T replaced by C.
Protein change: p.Pro128=; no amino-acid change (proline 128 retained).
Molecular consequence: synonymous variant.
Genome position (GRCh38, 1-based): chr12:52,451,695, A>G on the plus strand (T>C on the coding strand, the complement: KRT6B is on the minus strand). VCF-style: chr12-52451695-A-G. GRCh37 (hg19) VCF-style: chr12-52845479-A-G.
Identifiers: ClinVar variation 3352705 (VCV003352705.1).